The following is an entry in ClinVar:

NM_000066.4(C8B):c.1558C>T (p.Arg520Cys)

Gene: C8B (complement C8 beta chain; minus strand). Cytogenetic location: 1p32.2.
Variant type: single nucleotide variant.
Coding change: c.1558C>T on transcript NM_000066.4 (MANE Select); coding-DNA position 1558, C replaced by T.
Protein change: p.Arg520Cys; replaces arginine 520 with cysteine.
Molecular consequence: missense variant.
Genome position (GRCh38, 1-based): chr1:56,931,873, G>A on the plus strand (C>T on the coding strand, the complement: C8B is on the minus strand). VCF-style: chr1-56931873-G-A. GRCh37 (hg19) VCF-style: chr1-57397546-G-A.
Other names: c.1402C>T, p.Arg468Cys (NM_001278543.2); c.1372C>T, p.Arg458Cys (NM_001278544.2); c.1558C>T (NM_000066.2); short protein forms R458C, R468C, R520C.
Identifiers: ClinVar variation 1054845 (VCV001054845.7), dbSNP rs778114966, ClinGen allele CA875597.

ClinVar aggregate classification (germline): Uncertain significance. Review status: criteria provided, multiple submitters, no conflicts (2 of 4 stars). 2 submissions from 2 submitters: Uncertain significance (2). Last evaluated 2024-08-26.

Conditions:
Inborn genetic diseases. Identifiers: MedGen C0950123, MeSH D030342.

Allele frequency attached by ClinVar (database versions not stated): ExAC 0.00003; gnomAD 0.00003 and 0.00004; gnomAD exomes 0.00004 and 0.00009; TOPMed 0.00009.

Submissions (2):

Ambry Genetics
Classification: Uncertain significance for Inborn genetic diseases. Last evaluated: 2024-08-26. Review status: criteria provided, single submitter. Criteria: Ambry Variant Classification Scheme 2023. Collection method: clinical testing. Allele origin: germline.

Labcorp Genetics (formerly Invitae), Labcorp
Classification: Uncertain significance. Last evaluated: 2022-10-30. Review status: criteria provided, single submitter. Criteria: Invitae Variant Classification Sherloc (09022015). Collection method: clinical testing. Allele origin: germline.
Comment: This sequence change replaces arginine, which is basic and polar, with cysteine, which is neutral and slightly polar, at codon 520 of the C8B protein (p.Arg520Cys). This variant is present in population databases (rs778114966, gnomAD 0.007%). This variant has not been reported in the literature in individuals affected with C8B-related conditions. ClinVar contains an entry for this variant (Variation ID: 1054845). Algorithms developed to predict the effect of missense changes on protein structure and function are either unavailable or do not agree on the potential impact of this missense change (SIFT: "Tolerated"; PolyPhen-2: "Possibly Damaging"; Align-GVGD: "Class C0"). In summary, the available evidence is currently insufficient to determine the role of this variant in disease. Therefore, it has been classified as a Variant of Uncertain Significance.